The following is an entry in ClinVar:

ClinVar aggregate classification (germline): Conflicting classifications of pathogenicity. Review status: criteria provided, conflicting classifications (1 of 4 stars). 3 submissions from 1 submitter: Uncertain significance (1); Benign (1); Likely benign (1). Last evaluated 2018-01-13.

Conditions:
Myhre syndrome (MYHRS). Also called: LARYNGOTRACHEAL STENOSIS, ARTHROPATHY, PROGNATHISM, AND SHORT STATURE; LAPS SYNDROME. Identifiers: Orphanet 2588, MedGen C0796081, MONDO:0007688, OMIM 139210.
Juvenile polyposis/hereditary hemorrhagic telangiectasia syndrome (JPHT). Also called: JP/HHT SYNDROME; JUVENILE POLYPOSIS WITH HEREDITARY HEMORRHAGIC TELANGIECTASIA; POLYPOSIS, GENERALIZED JUVENILE, WITH PULMONARY ARTERIOVENOUS MALFORMATION; TELANGIECTASIA, HEREDITARY HEMORRHAGIC, WITH JUVENILE POLYPOSIS COLI; Juvenile Polyposis Syndrome / Hereditary Hemorrhagic Telangiectasia (JPS/HHT). Identifiers: Orphanet 2929, MedGen C1832942, MONDO:0008278, OMIM 175050.
Generalized juvenile polyposis/juvenile polyposis coli. Also called: Juvenile polyposis coli. Identifiers: Orphanet 329971, MedGen C1868081, MONDO:0008276.

Allele frequency attached by ClinVar (database versions not stated): gnomAD exomes below 0.00001 and 0.00001; TOPMed below 0.00001; ExAC 0.00002.
gnomAD v4.1: 4 of 1,443,446 alleles (0.00028%); highest among the groups gnomAD compares: Admixed American, 0.0051%; no homozygotes.

Submissions (3):

Illumina Laboratory Services, Illumina
Classification: Benign for Myhre syndrome. Last evaluated: 2018-01-13. Review status: criteria provided, single submitter. Criteria: ICSL Variant Classification Criteria 13 December 2019. Collection method: clinical testing. Allele origin: germline.
Comment: This variant was observed in the ICSL laboratory as part of a predisposition screen in an ostensibly healthy population. It had not been previously curated by ICSL or reported in the Human Gene Mutation Database (HGMD: prior to June 1st, 2018), and was therefore a candidate for classification through an automated scoring system. Utilizing variant allele frequency, disease prevalence and penetrance estimates, and inheritance mode, an automated score was calculated to assess if this variant is too frequent to cause the disease. Based on the score and internal cut-off values, a variant classified as benign is not then subjected to further curation. The score for this variant resulted in a classification of benign for this disease.

Illumina Laboratory Services, Illumina
Classification: Likely benign for Juvenile polyposis syndrome. Last evaluated: 2018-01-13. Review status: criteria provided, single submitter. Criteria: ICSL Variant Classification Criteria 13 December 2019. Collection method: clinical testing. Allele origin: germline.
Comment: This variant was observed in the ICSL laboratory as part of a predisposition screen in an ostensibly healthy population. It had not been previously curated by ICSL or reported in the Human Gene Mutation Database (HGMD: prior to June 1st, 2018), and was therefore a candidate for classification through an automated scoring system. Utilizing variant allele frequency, disease prevalence and penetrance estimates, and inheritance mode, an automated score was calculated to assess if this variant is too frequent to cause the disease. Based on the score and internal cut-off values, a variant classified as likely benign is not then subjected to further curation. The score for this variant resulted in a classification of likely benign for this disease.

Illumina Laboratory Services, Illumina
Classification: Uncertain significance for Juvenile polyposis/hereditary hemorrhagic telangiectasia syndrome. Last evaluated: 2018-01-13. Review status: criteria provided, single submitter. Criteria: ICSL Variant Classification Criteria 13 December 2019. Collection method: clinical testing. Allele origin: germline.

NM_005359.6(SMAD4):c.*30A>C

Gene: SMAD4 (SMAD family member 4; plus strand). Cytogenetic location: 18q21.2.
Variant type: single nucleotide variant.
Coding change: c.*30A>C on transcript NM_005359.6 (MANE Select); 30 bases downstream of the stop codon, A replaced by C.
Molecular consequence: 3 prime UTR variant.
Genome position (GRCh38, 1-based): chr18:51,078,497, A>C. VCF-style: chr18-51078497-A-C. GRCh37 (hg19) VCF-style: chr18-48604867-A-C.
Identifiers: ClinVar variation 327112 (VCV000327112.5), dbSNP rs767288576, ClinGen allele CA8966118.